The following is an entry in ClinVar:

Conditions:
Breast-ovarian cancer, familial, susceptibility to, 1 (BROVCA1). Also called: BRCA1 Hereditary Breast and Ovarian Cancer; OVARIAN CANCER, SUSCEPTIBILITY TO. Identifiers: Orphanet 145, MedGen C2676676, MONDO:0011450, OMIM 604370. Disease mechanism: loss of function.

Submission:

Brotman Baty Institute, University of Washington
No classification provided (evidence only). Condition: Breast-ovarian cancer, familial 1. Review status: no classification provided. Collection method: in vitro. Allele origin: not applicable. Functional consequence: functionally_abnormal.
ClinVar note: "not provided" was previously submitted as the classification for the variant. However, the classification appeared to be based only on an observation of functional data so it was converted to no classification on 2025-07-30.

NM_007294.4(BRCA1):c.213G>C (p.Arg71Ser)

Gene: BRCA1 (BRCA1 DNA repair associated; minus strand). Cytogenetic location: 17q21.31.
Variant type: single nucleotide variant.
Coding change: c.213G>C on transcript NM_007294.4 (MANE Select); coding-DNA position 213, G replaced by C.
Protein change: p.Arg71Ser; replaces arginine 71 with serine.
Molecular consequence: missense variant. On other transcripts: non-coding transcript variant (1).
Genome position (GRCh38, 1-based): chr17:43,104,956, C>G on the plus strand (G>C on the coding strand, the complement: BRCA1 is on the minus strand). VCF-style: chr17-43104956-C-G. GRCh37 (hg19) VCF-style: chr17-41256973-C-G.
Other names: c.72G>C, p.Arg24Ser (NM_001407726.1, NM_001407727.1, NM_001407728.1 and 99 more transcripts); c.3G>C, p.Met1Ile (NM_001407853.1, NM_001407879.1, NM_001407881.1 and 58 more transcripts); c.213G>C, p.Arg71Ser (NM_001407854.1, NM_001407858.1, NM_001407859.1 and 168 more transcripts); c.135G>C, p.Lys45Asn (NM_001407862.1, NM_001407874.1, NM_001407875.1 and 21 more transcripts); c.-169G>C (NM_001407959.1, NM_001407960.1, NM_001407962.1 and 4 more transcripts); c.81G>C, p.Trp27Cys (NM_001408451.1); short protein forms R24S, R71S, M1I, W27C, K45N.
Identifiers: ClinVar variation 867354 (VCV000867354.3), dbSNP rs1441240938, ClinGen allele CA10601738.
Genomic context (GRCh38, chr17:43,104,956, plus strand): 5'-ACAAATGATTTTCAATAGCTCTTCAACAAGTTGACTAAATCTCGTACTTTCTTGTAGGCT[C>G]CTGAAATTAAATTGTTTGAGAAACACACTCAGCAAGTGATTATCAACCTTTTAAGGACAC-3'
Protein context (NP_009225.1, residues 61-81): CPLCKNDITK[Arg71Ser]SLQESTRFSQ